The following is an entry in ClinVar:

ClinVar aggregate classification (germline): Conflicting classifications of pathogenicity. Review status: criteria provided, conflicting classifications (1 of 4 stars). 2 submissions from 2 submitters: Likely pathogenic (1); Uncertain significance (1). Last evaluated 2023-04-28.

Conditions:
Severe early-onset pulmonary alveolar proteinosis due to MARS deficiency. Also called: PULMONARY ALVEOLAR PROTEINOSIS, REUNION ISLAND; Interstitial lung and liver disease. Identifiers: Orphanet 440427, MedGen C4225400, MONDO:0014206, OMIM 615486.
Charcot-Marie-Tooth disease axonal type 2U. Also called: CHARCOT-MARIE-TOOTH NEUROPATHY, TYPE 2U; CHARCOT-MARIE-TOOTH DISEASE, AXONAL, AUTOSOMAL DOMINANT, TYPE 2U. Identifiers: Orphanet 397735, MedGen C4084821, MONDO:0014566, OMIM 616280.
MARS-related disorder.

Submissions (2):

Labcorp Genetics (formerly Invitae), Labcorp
Classification: Uncertain significance for Charcot-Marie-Tooth disease axonal type 2U; Severe early-onset pulmonary alveolar proteinosis due to MARS deficiency. Last evaluated: 2023-04-28. Review status: criteria provided, single submitter. Criteria: Invitae Variant Classification Sherloc (09022015). Collection method: clinical testing. Allele origin: germline.
Comment: ClinVar contains an entry for this variant (Variation ID: 450196). This variant has not been reported in the literature in individuals affected with MARS-related conditions. This variant is not present in population databases (gnomAD no frequency). This variant, c.1662_1667del, results in the deletion of 2 amino acid(s) of the MARS protein (p.Lys554_Asp555del), but otherwise preserves the integrity of the reading frame. Experimental studies and prediction algorithms are not available or were not evaluated, and the functional significance of this variant is currently unknown. In summary, the available evidence is currently insufficient to determine the role of this variant in disease. Therefore, it has been classified as a Variant of Uncertain Significance.

GeneDx
Classification: Likely pathogenic. Last evaluated: 2017-07-06. Review status: criteria provided, single submitter. Criteria: GeneDx Variant Classification (06012015). Collection method: clinical testing. Allele origin: germline. Affected: yes.
Comment: The c.1662_1667delAGACAA variant in the MARS gene has not been reported previously as a pathogenic variant, nor as a benign variant, to our knowledge. The c.1662_1667delAGACAA variant results in an in-frame deletion of two amino acid residues, starting with codon Lysine 554, denoted p.Lys554_Asp555del. This deletions contains residues that are conserved across species. In silico analysis is inconsistent in its predictions as to whether or not the variant is damaging to the protein structure/function. The c.1662_1667delAGACAA variant is not observed in large population cohorts (Lek et al., 2016; 1000 Genomes Consortium et al., 2015; Exome Variant Server). We interpret c.1662_1667delAGACAA as a likely pathogenic variant.

NM_004990.4(MARS1):c.1662_1667del (p.Lys554_Asp555del)

Gene: MARS1 (methionyl-tRNA synthetase 1; plus strand). Cytogenetic location: 12q13.3.
Variant type: Deletion.
Coding change: c.1662_1667del on transcript NM_004990.4 (MANE Select); coding-DNA positions 1662 to 1667, 6 bases deleted (AGACAA; older notation c.1662_1667delAGACAA).
Protein change: p.Lys554_Asp555del.
Molecular consequence: inframe deletion.
Genome position (GRCh38, 1-based): chr12:57,512,262-57,512,267, AGACAA deleted; deleting any 6 consecutive bases within chr12:57,512,259-57,512,267 gives the same sequence; the c. name uses the placement nearest the transcript's 3' end. VCF-style (leftmost placement, unchanged base first): chr12-57512258-CCAAAGA-C. GRCh37 (hg19) VCF-style: chr12-57906041-CCAAAGA-C.
Identifiers: ClinVar variation 450196 (VCV000450196.7), dbSNP rs1555168270, ClinGen allele CA658658163.